The following is an entry in ClinVar:

NM_031935.3(HMCN1):c.*674C>T

Gene: HMCN1 (hemicentin 1; plus strand). Cytogenetic location: 1q31.1.
Variant type: single nucleotide variant.
Coding change: c.*674C>T on transcript NM_031935.3 (MANE Select); 674 bases downstream of the stop codon, C replaced by T.
Molecular consequence: 3 prime UTR variant.
Genome position (GRCh38, 1-based): chr1:186,190,552, C>T. VCF-style: chr1-186190552-C-T. GRCh37 (hg19) VCF-style: chr1-186159684-C-T.
Identifiers: ClinVar variation 294323 (VCV000294323.6), dbSNP rs1056456, ClinGen allele CA10608586.

ClinVar aggregate classification (germline): Benign. Review status: criteria provided, multiple submitters, no conflicts (2 of 4 stars). 2 submissions from 2 submitters: Benign (2). Last evaluated 2018-01-12.

Conditions:
Age related macular degeneration 1 (ARMD1). Also called: MACULOPATHY, AGE-RELATED, 1. Identifiers: MedGen C1864205, MONDO:0011285, OMIM 603075.

Allele frequency attached by ClinVar (database versions not stated): gnomAD 0.23503 and 0.24195; TOPMed 0.23744; gnomAD exomes 0.18201; 1000 Genomes Project 0.18331; 1000 Genomes Project 30x 0.19254.
gnomAD v4.1: 44,715 of 201,258 alleles (22%); highest among the groups gnomAD compares: African/African-American, 33%; 5,666 homozygotes.

Submissions (2):

Illumina Laboratory Services, Illumina
Classification: Benign for Age related macular degeneration 1. Last evaluated: 2018-01-12. Review status: criteria provided, single submitter. Criteria: ICSL Variant Classification Criteria 13 December 2019. Collection method: clinical testing. Allele origin: germline.
Comment: This variant was observed in the ICSL laboratory as part of a predisposition screen in an ostensibly healthy population. It had not been previously curated by ICSL or reported in the Human Gene Mutation Database (HGMD: prior to June 1st, 2018), and was therefore a candidate for classification through an automated scoring system. Utilizing variant allele frequency, disease prevalence and penetrance estimates, and inheritance mode, an automated score was calculated to assess if this variant is too frequent to cause the disease. Based on the score and internal cut-off values, a variant classified as benign is not then subjected to further curation. The score for this variant resulted in a classification of benign for this disease.

Breakthrough Genomics
Classification: Benign. Review status: criteria provided, single submitter. Criteria: ACMG Guidelines, 2015. Collection method: not provided. Allele origin: germline. Inheritance: Autosomal dominant inheritance. Affected: yes.